The following is an entry in ClinVar:

NM_000142.5(FGFR3):c.1023G>A (p.Ala341=)

Gene: FGFR3 (fibroblast growth factor receptor 3; plus strand). Cytogenetic location: 4p16.3.
Variant type: single nucleotide variant.
Coding change: c.1023G>A on transcript NM_000142.5 (MANE Select); coding-DNA position 1023, G replaced by A.
Protein change: p.Ala341=; no amino-acid change (alanine 341 retained).
Molecular consequence: synonymous variant. On other transcripts: non-coding transcript variant (1), intron variant (2).
Genome position (GRCh38, 1-based): chr4:1,803,784, G>A. VCF-style: chr4-1803784-G-A. GRCh37 (hg19) VCF-style: chr4-1805511-G-A.
Other names: c.1023G>A, p.Ala341= (NM_001354809.2, NM_001354810.2); c.1082-546G>A (NM_001163213.2); c.931-1040G>A (NM_022965.4).
Identifiers: ClinVar variation 718133 (VCV000718133.38), dbSNP rs147833498, ClinGen allele CA2810165.
Genomic context (GRCh38, chr4:1,803,784, plus strand): 5'-AGAGGTTCTCTCCTTGCACAACGTCACCTTTGAGGACGCCGGGGAGTACACCTGCCTGGC[G>A]GGCAATTCTATTGGGTTTTCTCATCACTCTGCGTGGCTGGTGGTGCTGCCAGGTACCGGC-3'
Protein context (NP_000133.1, residues 331-351): FEDAGEYTCL[Ala341=]GNSIGFSHHS

ClinVar aggregate classification (germline): Benign/Likely benign. Review status: criteria provided, multiple submitters, no conflicts (2 of 4 stars). 6 submissions from 6 submitters: Benign (2); Likely benign (4). Last evaluated 2026-03-01.

Allele frequency attached by ClinVar (database versions not stated): gnomAD exomes 0.00006 and 0.00018; ExAC 0.00019; 1000 Genomes Project 30x 0.00031; ESP Exome Variant Server 0.00038; 1000 Genomes Project 0.00040; TOPMed 0.00044; gnomAD 0.00047 and 0.00050.
gnomAD v4.1: 164 of 1,614,084 alleles (0.01%); highest among the groups gnomAD compares: African/African-American, 0.13%; 1 homozygote.

Submissions (6):

CeGaT Center for Human Genetics Tuebingen
Classification: Likely benign. Last evaluated: 2026-03-01. Review status: criteria provided, single submitter. Criteria: CeGaT Center For Human Genetics Tuebingen Variant Classification Criteria Version 2. Collection method: clinical testing. Allele origin: germline. Affected: yes. Observed: 2 variant alleles.
Comment: FGFR3: BP4, BP7

Labcorp Genetics (formerly Invitae), Labcorp
Classification: Benign. Last evaluated: 2025-12-01. Review status: criteria provided, single submitter. Criteria: Invitae Variant Classification Sherloc (09022015). Collection method: clinical testing. Allele origin: germline.

Blueprint Genetics
Classification: Likely benign. Last evaluated: 2022-08-15. Review status: criteria provided, single submitter. Criteria: ACMG Guidelines, 2015. Collection method: clinical testing. Allele origin: germline.

Athena Diagnostics
Classification: Likely benign. Last evaluated: 2018-11-20. Review status: criteria provided, single submitter. Criteria: Athena Diagnostics Criteria. Collection method: clinical testing. Allele origin: germline.

Genetic Services Laboratory, University of Chicago
Classification: Benign. Last evaluated: 2017-08-08. Review status: criteria provided, single submitter. Criteria: ACMG Guidelines, 2015. Collection method: clinical testing. Allele origin: germline. Affected: no.

Breakthrough Genomics
Classification: Likely benign. Review status: criteria provided, single submitter. Criteria: ACMG Guidelines, 2015. Collection method: not provided. Allele origin: germline. Inheritance: Autosomal dominant inheritance. Affected: yes.